The following is an entry in ClinVar:

NM_001458.5(FLNC):c.4553A>G (p.Lys1518Arg)

Gene: FLNC (filamin C; plus strand). Cytogenetic location: 7q32.1.
Variant type: single nucleotide variant.
Coding change: c.4553A>G on transcript NM_001458.5 (MANE Select); coding-DNA position 4553, A replaced by G.
Protein change: p.Lys1518Arg; replaces lysine 1518 with arginine.
Molecular consequence: missense variant.
Genome position (GRCh38, 1-based): chr7:128,848,041, A>G. VCF-style: chr7-128848041-A-G. GRCh37 (hg19) VCF-style: chr7-128488095-A-G.
Other names: p.Lys1518Arg; c.4553A>G, p.Lys1518Arg (NM_001127487.2); short protein forms K1518R.
Identifiers: ClinVar variation 195949 (VCV000195949.34), dbSNP rs201635205, ClinGen allele CA242668.

ClinVar aggregate classification (germline): Conflicting classifications of pathogenicity. Review status: criteria provided, conflicting classifications (1 of 4 stars). 14 submissions from 14 submitters: Uncertain significance (3); Benign (2); Likely benign (6). 3 of the submissions do not count toward it. Last evaluated 2026-09-01.

Conditions:
Distal myopathy with posterior leg and anterior hand involvement. Also called: WILLIAMS DISTAL MYOPATHY. Identifiers: Orphanet 63273, MedGen C3279722, MONDO:0013550, OMIM 614065.
Hypertrophic cardiomyopathy 26. Also called: Cardiomyopathy, familial hypertrophic, 26. Identifiers: Orphanet 75249, MedGen C4310749, MONDO:0014883, OMIM 617047.
Myofibrillar myopathy 5. Also called: Filaminopathy (type); FILAMINOPATHY, AUTOSOMAL DOMINANT. Identifiers: Orphanet 171445, MedGen C1836050, MONDO:0012289, OMIM 609524.
Cardiovascular phenotype. Identifiers: MedGen CN230736.
FLNC-related disorder. Also called: FLNC-related condition; FLNC-related disorders.
Cardiomyopathy (CMYO). Also called: Cardiomyopathies. Identifiers: Orphanet 167848, MedGen C0878544, MONDO:0004994, HP:0001638. Inheritance: Various modes of inheritance.

Allele frequency attached by ClinVar (database versions not stated): gnomAD exomes 0.00004 and 0.00015; ESP Exome Variant Server 0.00031; ExAC 0.00032; gnomAD 0.00055 and 0.00061; 1000 Genomes Project 0.00060; 1000 Genomes Project 30x 0.00062; TOPMed 0.00073.
gnomAD v4.1: 150 of 1,606,838 alleles (0.0093%); highest among the groups gnomAD compares: African/African-American, 0.17%; no homozygotes.

Submissions (15):

CeGaT Center for Human Genetics Tuebingen
Classification: Likely benign. Last evaluated: 2026-09-01. Review status: criteria provided, single submitter. Criteria: CeGaT Center For Human Genetics Tuebingen Variant Classification Criteria Version 2. Collection method: clinical testing. Allele origin: germline. Affected: yes. Observed: 1 variant allele.
Comment: FLNC: PP3, BS1

Labcorp Genetics (formerly Invitae), Labcorp
Classification: Likely benign for Distal myopathy with posterior leg and anterior hand involvement; Myofibrillar myopathy 5; Hypertrophic cardiomyopathy 26. Last evaluated: 2026-01-27. Review status: criteria provided, single submitter. Criteria: Invitae Variant Classification Sherloc (09022015). Collection method: clinical testing. Allele origin: germline.

ARUP Laboratories, Molecular Genetics and Genomics, ARUP Laboratories
Classification: Likely benign. Last evaluated: 2025-05-18. Review status: criteria provided, single submitter. Criteria: ARUP Molecular Germline Variant Investigation Process 2024. Collection method: clinical testing. Allele origin: germline.

Women's Health and Genetics/Laboratory Corporation of America, LabCorp
Classification: Likely benign. Last evaluated: 2025-02-08. Review status: criteria provided, single submitter. Criteria: LabCorp Variant Classification Summary - May 2015. Collection method: clinical testing. Allele origin: germline.

Blueprint Genetics
Classification: Likely benign. Last evaluated: 2024-10-29. Review status: criteria provided, single submitter. Criteria: ACMG Guidelines, 2015. Collection method: clinical testing. Allele origin: germline.

Mayo Clinic Laboratories, Mayo Clinic
Classification: Uncertain significance. Last evaluated: 2024-06-05. Review status: criteria provided, single submitter. Criteria: ACMG Guidelines, 2015. Collection method: clinical testing. Allele origin: germline. Observed: 2 variant alleles.
Comment: BS1, PP3

CHEO Genetics Diagnostic Laboratory, Children's Hospital of Eastern Ontario
Classification: Benign for Cardiomyopathy. Last evaluated: 2022-05-13. Review status: criteria provided, single submitter. Criteria: ACMG Guidelines, 2015. Collection method: clinical testing. Allele origin: germline.

GeneDx
Classification: Benign. Last evaluated: 2021-06-22. Review status: criteria provided, single submitter. Criteria: GeneDx Variant Classification Process June 2021. Collection method: clinical testing. Allele origin: germline. Affected: yes.
Comment: This variant is associated with the following publications: (PMID: 26582918)

Ambry Genetics
Classification: Likely benign for Cardiovascular phenotype. Last evaluated: 2019-04-19. Review status: criteria provided, single submitter. Criteria: Ambry Variant Classification Scheme 2023. Collection method: clinical testing. Allele origin: germline.

Eurofins Ntd Llc (ga)
Classification: Uncertain significance. Last evaluated: 2014-10-27. Review status: criteria provided, single submitter. Criteria: EGL Classification Definitions 2015. Collection method: clinical testing. Allele origin: germline. Observed: 1 variant allele, 1 heterozygote.

Center for Genomics, Ann and Robert H. Lurie Children's Hospital of Chicago
Classification: Uncertain significance for Hypertrophic cardiomyopathy 26; Distal myopathy with posterior leg and anterior hand involvement; Myofibrillar myopathy 5. Review status: criteria provided, single submitter. Criteria: ACMG Guidelines, 2015. Collection method: clinical testing. Allele origin: germline.
Comment: FLNC NM_001458.4 exon 26 p.Lys1518Arg (c.4553A>G): This variant has not been reported in the literature but is present in 0.1% (44/22636) of African alleles in the Genome Aggregation Database. This variant is present in ClinVar (Variation ID:195949). Evolutionary conservation suggests that this variant may impact the protein; computational predictive tools suggest that this variant may not impact the protein. Of note, computational tools designed to predict splicing suggest a potential effect from this variant. However, further studies are needed to understand its impact. In summary, data on this variant is insufficient for disease classification. Therefore, the clinical significance of this variant is uncertain.

PreventionGenetics, part of Exact Sciences
Classification: Likely benign for FLNC-related condition. Last evaluated: 2023-05-22. Review status: no assertion criteria provided. Collection method: clinical testing. Allele origin: germline. Not counted in ClinVar's aggregate classification.
Comment: This variant is classified as likely benign based on ACMG/AMP sequence variant interpretation guidelines (Richards et al. 2015 PMID: 25741868, with internal and published modifications).

Clinical Genetics DNA and cytogenetics Diagnostics Lab, Erasmus MC, Erasmus Medical Center
Classification: Likely benign. Review status: no assertion criteria provided. Collection method: clinical testing. Allele origin: germline. Affected: yes. Study: VKGL Data-share Consensus. Not counted in ClinVar's aggregate classification.

Clinical Genetics, Academic Medical Center
Classification: Likely benign. Review status: no assertion criteria provided. Collection method: clinical testing. Allele origin: germline. Affected: yes. Study: VKGL Data-share Consensus. Not counted in ClinVar's aggregate classification.

Dr. Peter K. Rogan Lab, Western University
No classification provided (evidence only). Condition: Sarcoma. Review status: no classification provided. Collection method: in vitro. Allele origin: not applicable. Functional consequence: cryptic splice site, retained intron. Not counted in ClinVar's aggregate classification.